The following is an entry in ClinVar:

ClinVar aggregate classification (germline): Uncertain significance (1 of 4 stars; one submission).

Conditions:
Menkes kinky-hair syndrome (MNK). Also called: Classic Menkes Disease; Copper transport disease; Menkes Disease. Identifiers: Orphanet 565, MedGen C0022716, MONDO:0010651, OMIM 309400.
X-linked distal spinal muscular atrophy type 3. Also called: NEURONOPATHY, DISTAL HEREDITARY MOTOR, X-LINKED; NEUROPATHY, DISTAL HEREDITARY MOTOR, X-LINKED; ATP7A-Related Distal Motor Neuropathy; SPINAL MUSCULAR ATROPHY, DISTAL, X-LINKED RECESSIVE. Identifiers: Orphanet 139557, MedGen C1845359, MONDO:0010338, OMIM 300489.
Cutis laxa, X-linked (OHS). Also called: EDS IX; Occipital horn syndrome. Identifiers: Orphanet 198, MedGen C0268353, MONDO:0010572, OMIM 304150.

Allele frequency attached by ClinVar (database versions not stated): gnomAD exomes below 0.00001.
gnomAD v4.1: 1 of 1,208,198 alleles (0.000083%); highest among the groups gnomAD compares: Non-Finnish European, 0.00011%; no homozygotes.

Submission:

Labcorp Genetics (formerly Invitae), Labcorp
Classification: Uncertain significance for X-linked distal spinal muscular atrophy type 3; Cutis laxa, X-linked; Menkes kinky-hair syndrome. Last evaluated: 2022-05-08. Review status: criteria provided, single submitter. Criteria: Invitae Variant Classification Sherloc (09022015). Collection method: clinical testing. Allele origin: germline.
Comment: In summary, the available evidence is currently insufficient to determine the role of this variant in disease. Therefore, it has been classified as a Variant of Uncertain Significance. Variants that disrupt the consensus splice site are a relatively common cause of aberrant splicing (PMID: 17576681, 9536098). Algorithms developed to predict the effect of sequence changes on RNA splicing suggest that this variant is not likely to affect RNA splicing. This variant has not been reported in the literature in individuals affected with ATP7A-related conditions. This variant is not present in population databases (gnomAD no frequency). This sequence change falls in intron 13 of the ATP7A gene. It does not directly change the encoded amino acid sequence of the ATP7A protein. It affects a nucleotide within the consensus splice site.

Literature cited by the submitters: PubMed 17576681; PubMed 9536098.

NM_000052.7(ATP7A):c.2781+5C>T

Gene: ATP7A (ATPase copper transporting alpha; plus strand). Cytogenetic location: Xq21.1.
Variant type: single nucleotide variant.
Coding change: c.2781+5C>T on transcript NM_000052.7 (MANE Select); 5 bases into the intron after coding-DNA position 2781, C replaced by T.
Molecular consequence: intron variant.
Genome position (GRCh38, 1-based): chrX:78,020,403, C>T. VCF-style: chrX-78020403-C-T. GRCh37 (hg19) VCF-style: chrX-77275900-C-T.
Other names: c.2547+5C>T (NM_001282224.2).
Identifiers: ClinVar variation 1962299 (VCV001962299.5), dbSNP rs2522372990, ClinGen allele CA2580101454.
Genomic context (GRCh38, chrX:78,020,403, plus strand): 5'-CAGACACAACCCTTTCTCAAATTGTCAAACTTGTGGAAGAGGCACAAACATCAAAGGTAA[C>T]TTAACTCCCTAGGAGAAACACAAACTATTTTCTTTAAAGCCTTCTCAGTATAAATCTTCA-3'